The following is an entry in ClinVar:

NM_006734.4(HIVEP2):c.5018G>C (p.Trp1673Ser)

Gene: HIVEP2 (HIVEP zinc finger 2; minus strand). Cytogenetic location: 6q24.2.
Variant type: single nucleotide variant.
Coding change: c.5018G>C on transcript NM_006734.4 (MANE Select); coding-DNA position 5018, G replaced by C.
Protein change: p.Trp1673Ser; replaces tryptophan 1673 with serine.
Molecular consequence: missense variant.
Genome position (GRCh38, 1-based): chr6:142,769,721, C>G on the plus strand (G>C on the coding strand, the complement: HIVEP2 is on the minus strand). VCF-style: chr6-142769721-C-G. GRCh37 (hg19) VCF-style: chr6-143090858-C-G.
Other names: c.5018G>C (NM_006734.3); short protein forms W1673S.
Identifiers: ClinVar variation 3251944 (VCV003251944.2), dbSNP rs1402017295.

ClinVar aggregate classification (germline): Uncertain significance. Review status: criteria provided, multiple submitters, no conflicts (2 of 4 stars). 2 submissions from 2 submitters: Uncertain significance (2). Last evaluated 2025-11-26.

Conditions:
Inborn genetic diseases. Identifiers: MedGen C0950123, MeSH D030342.
Intellectual developmental disorder, autosomal dominant 43. Also called: Intellectual disability, autosomal dominant 43. Identifiers: MedGen C4707429, MONDO:0014858, OMIM 616977.

Allele frequency attached by ClinVar (database versions not stated): gnomAD exomes below 0.00001; TOPMed 0.00001.
gnomAD v4.1: 4 of 1,614,190 alleles (0.00025%); highest among the groups gnomAD compares: Non-Finnish European, 0.00034%; no homozygotes.

Submissions (2):

Ambry Genetics
Classification: Uncertain significance for Inborn genetic diseases. Last evaluated: 2025-11-26. Review status: criteria provided, single submitter. Criteria: Ambry Variant Classification Scheme 2023. Collection method: clinical testing. Allele origin: germline.
Comment: The c.5018G>C (p.W1673S) alteration is located in exon 5 (coding exon 1) of the HIVEP2 gene. This alteration results from a G to C substitution at nucleotide position 5018, causing the tryptophan (W) at amino acid position 1673 to be replaced by a serine (S). Based on data from gnomAD, the C allele has an overall frequency of <0.001% (1/249584) total alleles studied. The highest observed frequency was 0.001% (1/113294) of European (non-Finnish) alleles. Based on insufficient or conflicting evidence, the clinical significance of this alteration remains unclear.

Institute of Immunology and Genetics Kaiserslautern
Classification: Uncertain significance for Intellectual developmental disorder, autosomal dominant 43. Last evaluated: 2024-05-02. Review status: criteria provided, single submitter. Criteria: ACMG Guidelines, 2015. Collection method: clinical testing. Allele origin: maternal. Affected: yes.
Comment: ACMG Criteria: PM2_P; Variant was found in heterozygous state